The following is an entry in ClinVar:

NM_001278116.2(L1CAM):c.2772G>T (p.Leu924Phe)

Gene: L1CAM (L1 cell adhesion molecule; minus strand). Cytogenetic location: Xq28.
Variant type: single nucleotide variant.
Coding change: c.2772G>T on transcript NM_001278116.2 (MANE Select); coding-DNA position 2772, G replaced by T.
Protein change: p.Leu924Phe; replaces leucine 924 with phenylalanine.
Molecular consequence: missense variant.
Genome position (GRCh38, 1-based): chrX:153,865,188, C>A on the plus strand (G>T on the coding strand, the complement: L1CAM is on the minus strand). VCF-style: chrX-153865188-C-A. GRCh37 (hg19) VCF-style: chrX-153130643-C-A.
Other names: c.2772G>T, p.Leu924Phe (NM_000425.5, NM_024003.3); c.2757G>T, p.Leu919Phe (NM_001143963.2); short protein forms L919F, L924F.
Identifiers: ClinVar variation 4802216 (VCV004802216.1).

ClinVar aggregate classification (germline): Uncertain significance (1 of 4 stars; one submission).

Conditions:
Spastic paraplegia. Identifiers: MedGen C0037772, HP:0001258.

Submission:

Labcorp Genetics (formerly Invitae), Labcorp
Classification: Uncertain significance for Spastic paraplegia. Last evaluated: 2025-06-09. Review status: criteria provided, single submitter. Criteria: Invitae Variant Classification Sherloc (09022015). Collection method: clinical testing. Allele origin: germline.
Comment: This sequence change replaces leucine, which is neutral and non-polar, with phenylalanine, which is neutral and non-polar, at codon 924 of the L1CAM protein (p.Leu924Phe). This variant is not present in population databases (gnomAD no frequency). This variant has not been reported in the literature in individuals affected with L1CAM-related conditions. Invitae Evidence Modeling of protein sequence and biophysical properties (such as structural, functional, and spatial information, amino acid conservation, physicochemical variation, residue mobility, and thermodynamic stability) indicates that this missense variant is not expected to disrupt L1CAM protein function with a negative predictive value of 95%. In summary, the available evidence is currently insufficient to determine the role of this variant in disease. Therefore, it has been classified as a Variant of Uncertain Significance.